The following is an entry in ClinVar:

ClinVar aggregate classification (germline): Likely benign. Review status: criteria provided, multiple submitters, no conflicts (2 of 4 stars). 2 submissions from 2 submitters: Likely benign (2). Last evaluated 2024-11-09.

Conditions:
ATP11A-related disorder. Also called: ATP11A-related condition.

Allele frequency attached by ClinVar (database versions not stated): 1000 Genomes Project 30x 0.00016; 1000 Genomes Project 0.00020; gnomAD exomes 0.00033 and 0.00047; gnomAD 0.00036 and 0.00049; ExAC 0.00043; TOPMed 0.00057; ESP Exome Variant Server 0.00077.
gnomAD v4.1: 751 of 1,613,984 alleles (0.047%); highest among the groups gnomAD compares: Non-Finnish European, 0.059%; 2 homozygotes.

Submissions (6):

PreventionGenetics, part of Exact Sciences
Classification: Likely benign for ATP11A-related condition. Last evaluated: 2024-11-09. Review status: criteria provided, single submitter. Criteria: ACMG Guidelines, 2015. Collection method: clinical testing. Allele origin: germline.
Comment: This variant is classified as likely benign based on ACMG/AMP sequence variant interpretation guidelines (Richards et al. 2015 PMID: 25741868, with internal and published modifications).

Labcorp Genetics (formerly Invitae), Labcorp
Classification: Likely benign. Last evaluated: 2018-07-29. Review status: criteria provided, single submitter. Criteria: Invitae Variant Classification Sherloc (09022015). Collection method: clinical testing. Allele origin: germline.

Dr. Peter K. Rogan Lab, Western University
No classification provided (evidence only). Condition: Familial cancer of breast. Review status: no classification provided. Collection method: in vitro. Allele origin: not applicable. Functional consequence: retained intron. Not counted in ClinVar's aggregate classification.

Dr. Peter K. Rogan Lab, Western University
No classification provided (evidence only). Condition: Acute myeloid leukemia. Review status: no classification provided. Collection method: in vitro. Allele origin: not applicable. Functional consequence: retained intron. Not counted in ClinVar's aggregate classification.

Dr. Peter K. Rogan Lab, Western University
No classification provided (evidence only). Condition: Cervical cancer. Review status: no classification provided. Collection method: in vitro. Allele origin: not applicable. Functional consequence: retained intron. Not counted in ClinVar's aggregate classification.

Dr. Peter K. Rogan Lab, Western University
No classification provided (evidence only). Condition: Hepatocellular carcinoma. Review status: no classification provided. Collection method: in vitro. Allele origin: not applicable. Functional consequence: retained intron. Not counted in ClinVar's aggregate classification.

NM_015205.3(ATP11A):c.807G>A (p.Thr269=)

Gene: ATP11A (ATPase phospholipid transporting 11A; plus strand). Cytogenetic location: 13q34.
Variant type: single nucleotide variant.
Coding change: c.807G>A on transcript NM_015205.3 (MANE Select); coding-DNA position 807, G replaced by A.
Protein change: p.Thr269=; no amino-acid change (threonine 269 retained).
Molecular consequence: synonymous variant.
Genome position (GRCh38, 1-based): chr13:112,824,360, G>A. VCF-style: chr13-112824360-G-A. GRCh37 (hg19) VCF-style: chr13-113478674-G-A.
Other names: NC_000013.10:g.113478674G>A; c.807G>A, p.Thr269= (NM_032189.4).
Identifiers: ClinVar variation 729751 (VCV000729751.5), dbSNP rs141087263, ClinGen allele CA7056549.